The following is an entry in ClinVar:

NM_001042681.2(RERE):c.4054G>A (p.Ala1352Thr)

Gene: RERE (arginine-glutamic acid dipeptide repeats; minus strand). Cytogenetic location: 1p36.23.
Variant type: single nucleotide variant.
Coding change: c.4054G>A on transcript NM_001042681.2 (MANE Select); coding-DNA position 4054, G replaced by A.
Protein change: p.Ala1352Thr; replaces alanine 1352 with threonine.
Molecular consequence: missense variant.
Genome position (GRCh38, 1-based): chr1:8,358,481, C>T on the plus strand (G>A on the coding strand, the complement: RERE is on the minus strand). VCF-style: chr1-8358481-C-T. GRCh37 (hg19) VCF-style: chr1-8418541-C-T.
Other names: c.2392G>A, p.Ala798Thr (NM_001042682.2); c.4054G>A, p.Ala1352Thr (NM_012102.4); c.4054G>A (NM_012102.3); short protein forms A1352T, A798T.
Identifiers: ClinVar variation 1599420 (VCV001599420.33), dbSNP rs200525338, ClinGen allele CA570913.

ClinVar aggregate classification (germline): Benign/Likely benign. Review status: criteria provided, multiple submitters, no conflicts (2 of 4 stars). 4 submissions from 4 submitters: Benign (1); Likely benign (2). 1 of the submissions does not count toward it. Last evaluated 2026-08-01.

Conditions:
RERE-related disorder. Also called: RERE-related condition; RERE-Related Disorders. Identifiers: MedGen CN381537.

Allele frequency attached by ClinVar (database versions not stated): TOPMed 0.00025; gnomAD exomes 0.00027; gnomAD 0.00030 and 0.00038; ESP Exome Variant Server 0.00031; 1000 Genomes Project 30x 0.00047; 1000 Genomes Project 0.00060.
gnomAD v4.1: 456 of 1,585,754 alleles (0.029%); highest among the groups gnomAD compares: East Asian, 0.17%; 3 homozygotes.

Submissions (4):

CeGaT Center for Human Genetics Tuebingen
Classification: Likely benign. Last evaluated: 2026-08-01. Review status: criteria provided, single submitter. Criteria: CeGaT Center For Human Genetics Tuebingen Variant Classification Criteria Version 2. Collection method: clinical testing. Allele origin: germline. Affected: yes. Observed: 5 variant alleles.
Comment: RERE: BS1

Labcorp Genetics (formerly Invitae), Labcorp
Classification: Benign. Last evaluated: 2026-01-05. Review status: criteria provided, single submitter. Criteria: Invitae Variant Classification Sherloc (09022015). Collection method: clinical testing. Allele origin: germline.

Blueprint Genetics
Classification: Likely benign. Last evaluated: 2024-11-22. Review status: criteria provided, single submitter. Criteria: ACMG Guidelines, 2015. Collection method: clinical testing. Allele origin: germline.

PreventionGenetics, part of Exact Sciences
Classification: Benign for RERE-related condition. Last evaluated: 2024-06-02. Review status: no assertion criteria provided. Collection method: clinical testing. Allele origin: germline. Not counted in ClinVar's aggregate classification.
Comment: This variant is classified as benign based on ACMG/AMP sequence variant interpretation guidelines (Richards et al. 2015 PMID: 25741868, with internal and published modifications).